The following is an entry in ClinVar:

NM_006270.5(RRAS):c.17C>T (p.Ala6Val)

Gene: RRAS (RAS related; minus strand). Cytogenetic location: 19q13.33.
Variant type: single nucleotide variant.
Coding change: c.17C>T on transcript NM_006270.5 (MANE Select); coding-DNA position 17, C replaced by T.
Protein change: p.Ala6Val; replaces alanine 6 with valine.
Molecular consequence: missense variant.
Genome position (GRCh38, 1-based): chr19:49,640,082, G>A on the plus strand (C>T on the coding strand, the complement: RRAS is on the minus strand). VCF-style: chr19-49640082-G-A. GRCh37 (hg19) VCF-style: chr19-50143339-G-A.
Other names: short protein forms A6V.
Identifiers: ClinVar variation 3225523 (VCV003225523.1), dbSNP rs2513709862, ClinGen allele CA406850166.
Genomic context (GRCh38, chr19:49,640,082, plus strand): 5'-GGCGGGGGGTCCCCGGGCCCAGGTCCCCCGCCCCGGGGCCGCCCCCGCCCTGTCCCGGAC[G>A]CCGCCCCGCTGCTCATGTCGCCACCGCTGCTGCTGCCTTCGCTACCGCCTGCGGGGGAGC-3'
Protein context (NP_006261.1, residues 1-16): MSSGA[Ala6Val]SGTGRGRPRG

ClinVar aggregate classification (germline): Uncertain significance (1 of 4 stars; one submission).

Allele frequency attached by ClinVar (database versions not stated): gnomAD exomes below 0.00001.

Submission:

Ambry Genetics
Classification: Uncertain significance. Last evaluated: 2023-10-16. Review status: criteria provided, single submitter. Criteria: Ambry Variant Classification Scheme 2023. Collection method: clinical testing. Allele origin: germline.
Comment: The p.A6V variant (also known as c.17C>T), located in coding exon 1 of the RRAS gene, results from a C to T substitution at nucleotide position 17. The alanine at codon 6 is replaced by valine, an amino acid with similar properties. This amino acid position is conserved. In addition, this alteration is predicted to be tolerated by in silico analysis. Since supporting evidence is limited at this time, the clinical significance of this alteration remains unclear.